The following is an entry in ClinVar:

ClinVar aggregate classification (germline): Benign (1 of 4 stars; one submission).

Allele frequency attached by ClinVar (database versions not stated): gnomAD 0.35562 and 0.36784; 1000 Genomes Project 30x 0.37836; TOPMed 0.34831; 1000 Genomes Project 0.39537.

Submission:

GeneDx
Classification: Benign. Last evaluated: 2018-06-14. Review status: criteria provided, single submitter. Criteria: GeneDx Variant Classification (06012015). Collection method: clinical testing. Allele origin: germline. Affected: yes.
Comment: This variant is considered likely benign or benign based on one or more of the following criteria: it is a conservative change, it occurs at a poorly conserved position in the protein, it is predicted to be benign by multiple in silico algorithms, and/or has population frequency not consistent with disease.

NM_016098.3(MPC1):c.-301G>A

Genes: MPC1 (mitochondrial pyruvate carrier 1; minus strand), LOC129997661 (ATAC-STARR-seq lymphoblastoid silent region 17777; plus strand). Cytogenetic location: 6q27.
Variant type: single nucleotide variant.
Coding change: c.-301G>A on transcript NM_016098.3; 301 bases upstream of the start codon, G replaced by A.
Genome position (GRCh38, 1-based): chr6:166,383,177, C>T on the plus strand (G>A on the coding strand, the complement: MPC1 is on the minus strand). VCF-style: chr6-166383177-C-T. GRCh37 (hg19) VCF-style: chr6-166796665-C-T.
Identifiers: ClinVar variation 669503 (VCV000669503.3), dbSNP rs9295337, ClinGen allele CA12218806.
Genomic context (GRCh38, chr6:166,383,177, plus strand): 5'-CGGTGGCGCACGGGGGCGGGGCCCGCTGCCGTAAAACGGCTGGGGCTGGGCCGGGGCTGG[C>T]AGGCGGTTGCTAGGCTCCAGCGGCTCCCGGCCAGCGGGGACGTGGAGGTGACATTTCTCT-3'